The following is an entry in ClinVar:

ClinVar aggregate classification (germline): Uncertain significance. Review status: criteria provided, multiple submitters, no conflicts (2 of 4 stars). 2 submissions from 2 submitters: Uncertain significance (2). Last evaluated 2025-01-31.

Conditions:
Inborn genetic diseases. Identifiers: MedGen C0950123, MeSH D030342.

gnomAD v4.1: 6 of 1,533,414 alleles (0.00039%); highest among the groups gnomAD compares: East Asian, 0.0025%; no homozygotes.

Submissions (2):

Ambry Genetics
Classification: Uncertain significance for Inborn genetic diseases. Last evaluated: 2025-01-31. Review status: criteria provided, single submitter. Criteria: Ambry Variant Classification Scheme 2023. Collection method: clinical testing. Allele origin: germline.
Comment: The p.R39Q variant (also known as c.116G>A), located in coding exon 1 of the SH2B3 gene, results from a G to A substitution at nucleotide position 116. The arginine at codon 39 is replaced by glutamine, an amino acid with highly similar properties. This amino acid position is conserved. In addition, this alteration is predicted to be tolerated by in silico analysis. Based on the available evidence, the clinical significance of this variant remains unclear.

GeneDx
Classification: Uncertain significance. Last evaluated: 2024-05-21. Review status: criteria provided, single submitter. Criteria: GeneDx Variant Classification Process June 2021. Collection method: clinical testing. Allele origin: germline. Affected: yes.
Comment: Not observed at significant frequency in large population cohorts (gnomAD); In silico analysis indicates that this missense variant does not alter protein structure/function; Has not been previously published as pathogenic or benign to our knowledge; Variants in candidate genes are classified as variants of uncertain significance in accordance with ACMG guidelines (PMID: 25741868)

NM_005475.3(SH2B3):c.116G>A (p.Arg39Gln)

Gene: SH2B3 (SH2B adaptor protein 3; plus strand). Cytogenetic location: 12q24.12.
Variant type: single nucleotide variant.
Coding change: c.116G>A on transcript NM_005475.3 (MANE Select); coding-DNA position 116, G replaced by A.
Protein change: p.Arg39Gln; replaces arginine 39 with glutamine.
Molecular consequence: missense variant.
Genome position (GRCh38, 1-based): chr12:111,418,261, G>A. VCF-style: chr12-111418261-G-A. GRCh37 (hg19) VCF-style: chr12-111856065-G-A.
Other names: short protein forms R39Q.
Identifiers: ClinVar variation 3381634 (VCV003381634.2).